The following is an entry in ClinVar:

ClinVar aggregate classification (germline): Uncertain significance (1 of 4 stars; one submission).

Conditions:
Encephalopathy, acute, infection-induced (herpes-specific), susceptibility to, 1. Also called: Herpes simplex encephalitis, susceptibility to, 1. Identifiers: Orphanet 1930, MedGen C2750180, MONDO:0024563, OMIM 610551.

Submission:

Labcorp Genetics (formerly Invitae), Labcorp
Classification: Uncertain significance for Encephalopathy, acute, infection-induced (herpes-specific), susceptibility to, 1. Last evaluated: 2022-06-27. Review status: criteria provided, single submitter. Criteria: Invitae Variant Classification Sherloc (09022015). Collection method: clinical testing. Allele origin: germline.
Comment: In summary, the available evidence is currently insufficient to determine the role of this variant in disease. Therefore, it has been classified as a Variant of Uncertain Significance. Experimental studies and prediction algorithms are not available or were not evaluated, and the functional significance of this variant is currently unknown. This variant has not been reported in the literature in individuals affected with UNC93B1-related conditions. This variant is not present in population databases (gnomAD no frequency). This sequence change creates a premature translational stop signal (p.Gly591Glufs*28) in the UNC93B1 gene. While this is not anticipated to result in nonsense mediated decay, it is expected to disrupt the last 7 amino acid(s) of the UNC93B1 protein.

NM_030930.4(UNC93B1):c.1772del (p.Gly591fs)

Gene: UNC93B1 (unc-93B1 regulator of TLR signaling; minus strand). Cytogenetic location: 11q13.2.
Variant type: Deletion.
Coding change: c.1772del on transcript NM_030930.4 (MANE Select); coding-DNA position 1772, one base deleted (G; older notation c.1772delG).
Protein change: p.Gly591fs; shifts the reading frame from glycine 591.
Molecular consequence: frameshift variant.
Genome position (GRCh38, 1-based): chr11:67,991,568, C deleted on the plus strand (G on the coding strand, the reverse complement: UNC93B1 is on the minus strand); the first of 6 consecutive C bases (chr11:67,991,568-67,991,573); deleting any one gives the same sequence. VCF-style (leftmost placement, unchanged base first): chr11-67991567-TC-T. GRCh37 (hg19) VCF-style: chr11-67759038-TC-T.
Other names: short protein forms G591fs.
Identifiers: ClinVar variation 1436272 (VCV001436272.8), dbSNP rs1288924599, ClinGen allele CA679562421.